The following is an entry in ClinVar:

ClinVar aggregate classification (germline): Pathogenic/Likely pathogenic. Review status: criteria provided, multiple submitters, no conflicts (2 of 4 stars). 2 submissions from 2 submitters: Pathogenic (1); Likely pathogenic (1). Last evaluated 2023-01-10.

Conditions:
Hereditary spastic paraplegia 49 (HSAN9). Also called: Spastic paraplegia 49, autosomal recessive; TECPR2-Related Hereditary Sensory and Autonomic Neuropathy with Intellectual Disability; NEUROPATHY, HEREDITARY SENSORY AND AUTONOMIC, TYPE IX, WITH DEVELOPMENTAL DELAY. Identifiers: Orphanet 320385, MedGen C5190860, MONDO:0014016, OMIM 615031.
Hereditary spastic paraplegia. Also called: Familial spastic paraparesis. Identifiers: Orphanet 685, MedGen C0037773, MONDO:0019064. Disease mechanism: loss of function.

Submissions (2):

Women's Health and Genetics/Laboratory Corporation of America, LabCorp
Classification: Likely pathogenic for Hereditary spastic paraplegia. Last evaluated: 2023-01-10. Review status: criteria provided, single submitter. Criteria: LabCorp Variant Classification Summary - May 2015. Collection method: clinical testing. Allele origin: germline.
Comment: Variant summary: TECPR2 c.222delG (p.Lys75ArgfsX8) results in a premature termination codon, predicted to cause a truncation of the encoded protein or absence of the protein due to nonsense mediated decay, which are commonly known mechanisms for disease. Truncations downstream of this position have been classified as pathogenic within ClinVar (e.g. c.774del [p.Asp259fs], c.1319del [p.Leu440fs]). The variant allele was found at a frequency of 4.3e-06 in 234608 control chromosomes (gnomAD). To our knowledge, no occurrence of c.222delG in individuals affected with Hereditary Spastic Paraplegia, Type 49 and no experimental evidence demonstrating its impact on protein function have been reported. One Clinvar submitter has assessed the variant since 2014: the variant was classified as pathogenic. Based on the evidence outlined above, the variant was classified as likely pathogenic.

Labcorp Genetics (formerly Invitae), Labcorp
Classification: Pathogenic for Hereditary spastic paraplegia 49. Last evaluated: 2022-02-01. Review status: criteria provided, single submitter. Criteria: Invitae Variant Classification Sherloc (09022015). Collection method: clinical testing. Allele origin: germline.
Comment: The frequency data for this variant in the population databases is considered unreliable, as metrics indicate poor data quality at this position in the gnomAD database. This variant has not been reported in the literature in individuals affected with TECPR2-related conditions. For these reasons, this variant has been classified as Pathogenic. This sequence change creates a premature translational stop signal (p.Lys75Argfs*8) in the TECPR2 gene. It is expected to result in an absent or disrupted protein product. Loss-of-function variants in TECPR2 are known to be pathogenic (PMID: 23176824, 25590979).

Literature cited by the submitters: PubMed 23176824 (cited by Labcorp Genetics (formerly Invitae), Labcorp); PubMed 25590979 (cited by Labcorp Genetics (formerly Invitae), Labcorp).

NM_014844.4(TECPR2):c.222delG

Gene: TECPR2 (tectonin beta-propeller repeat containing 2; plus strand). Cytogenetic location: 14q32.31.
Variant type: Deletion.
Coding change: c.222delG on transcript NM_014844.4; coding-DNA position 222, one base deleted (G).
Genome position (GRCh38, 1-based): chr14:102,407,340, G deleted; the last of 4 consecutive G bases (chr14:102,407,337-102,407,340); deleting any one gives the same sequence. VCF-style (leftmost placement, unchanged base first): chr14-102407336-AG-A. GRCh37 (hg19) VCF-style: chr14-102873673-AG-A.
Identifiers: ClinVar variation 1454429 (VCV001454429.45), dbSNP rs1567327482, ClinGen allele CA616387241.